The following is an entry in ClinVar:

NM_005026.5(PIK3CD):c.2461C>T (p.Arg821Cys)

Gene: PIK3CD (phosphatidylinositol-4,5-bisphosphate 3-kinase catalytic subunit delta; plus strand). Cytogenetic location: 1p36.22.
Variant type: single nucleotide variant.
Coding change: c.2461C>T on transcript NM_005026.5 (MANE Select); coding-DNA position 2461, C replaced by T.
Protein change: p.Arg821Cys; replaces arginine 821 with cysteine.
Molecular consequence: missense variant.
Genome position (GRCh38, 1-based): chr1:9,723,159, C>T. VCF-style: chr1-9723159-C-T. GRCh37 (hg19) VCF-style: chr1-9783217-C-T.
Other names: c.2458C>T, p.Arg820Cys (NM_001350234.2); c.2374C>T, p.Arg792Cys (NM_001350235.1); short protein forms R792C, R820C, R821C.
Identifiers: ClinVar variation 1162831 (VCV001162831.15), dbSNP rs140820694, ClinGen allele CA577555.

ClinVar aggregate classification (germline): Uncertain significance. Review status: criteria provided, multiple submitters, no conflicts (2 of 4 stars). 6 submissions from 6 submitters: Uncertain significance (4). 2 of the submissions do not count toward it. Last evaluated 2025-12-29.

Conditions:
PIK3CD-related disorder. Also called: PIK3CD-related condition.
Activated PI3K-delta syndrome. Identifiers: Orphanet 397596, MedGen C3714976, MONDO:0018338.
Immunodeficiency 14 (IMD14A). Also called: IMMUNODEFICIENCY 14A WITH LYMPHOPROLIFERATION, AUTOSOMAL DOMINANT; p110-DELTA-ACTIVATING MUTATION CAUSING SENESCENT T CELLS, LYMPHADENOPATHY, AND IMMUNODEFICIENCY; ACTIVATED PI3K-DELTA SYNDROME 1; Activated PI3K Delta Syndrome Type 1 (APDS1). Identifiers: Orphanet 397596, Orphanet 693661, MedGen C5907821, MONDO:0014222, OMIM 615513.

Allele frequency attached by ClinVar (database versions not stated): ExAC 0.00002; gnomAD exomes 0.00003 and 0.00006; gnomAD 0.00005; TOPMed 0.00005; ESP Exome Variant Server 0.00015.
gnomAD v4.1: 94 of 1,613,636 alleles (0.0058%); highest among the groups gnomAD compares: Middle Eastern, 0.016%; no homozygotes.

Submissions (6):

Labcorp Genetics (formerly Invitae), Labcorp
Classification: Uncertain significance for Activated PI3K-delta syndrome. Last evaluated: 2025-12-29. Review status: criteria provided, single submitter. Criteria: Invitae Variant Classification Sherloc (09022015). Collection method: clinical testing. Allele origin: germline.
Comment: This sequence change replaces arginine, which is basic and polar, with cysteine, which is neutral and slightly polar, at codon 821 of the PIK3CD protein (p.Arg821Cys). This variant is present in population databases (rs140820694, gnomAD 0.005%). This variant has not been reported in the literature in individuals affected with PIK3CD-related conditions. ClinVar contains an entry for this variant (Variation ID: 1162831). An algorithm developed to predict the effect of missense changes on protein structure and function (PolyPhen-2) suggests that this variant is likely to be tolerated. In summary, the available evidence is currently insufficient to determine the role of this variant in disease. Therefore, it has been classified as a Variant of Uncertain Significance.

Revvity Omics, Revvity
Classification: Uncertain significance. Last evaluated: 2023-09-20. Review status: criteria provided, single submitter. Criteria: ACMG Guidelines, 2015. Collection method: clinical testing. Allele origin: germline.

Mayo Clinic Laboratories, Mayo Clinic
Classification: Uncertain significance. Last evaluated: 2019-07-15. Review status: criteria provided, single submitter. Criteria: ACMG Guidelines, 2015. Collection method: clinical testing. Allele origin: germline. Observed: 1 variant allele.

Breakthrough Genomics
Classification: Uncertain significance. Review status: criteria provided, single submitter. Criteria: ACMG Guidelines, 2015. Collection method: not provided. Allele origin: germline. Inheritance: Autosomal recessive inheritance. Affected: yes.

PreventionGenetics, part of Exact Sciences
Classification: Uncertain significance for PIK3CD-related condition. Last evaluated: 2024-09-24. Review status: no assertion criteria provided. Collection method: clinical testing. Allele origin: germline. Not counted in ClinVar's aggregate classification.
Comment: The PIK3CD c.2461C>T variant is predicted to result in the amino acid substitution p.Arg821Cys. To our knowledge, this variant has not been reported in the literature in individuals with PIK3CD-related disorders. This variant is reported in 0.0035% of alleles in individuals of European (Non-Finnish) descent in gnomAD. At this time, the clinical significance of this variant is uncertain due to the absence of conclusive functional and genetic evidence.

Rarefied Biosciences Lab
Classification: Likely benign for Activated PI3K-delta syndrome. Review status: no assertion criteria provided. Collection method: research. Allele origin: maternal, not applicable. Affected: yes. Not counted in ClinVar's aggregate classification.
Comment: The following variant p.Arg821Cys is likely benign due to experimental evidence showing no abnormal function of TFH, mTOR, and transitional B cells which are hallmarks of affected patients.

Literature cited by the submitters: PubMed 31031754 (cited by Rarefied Biosciences Lab).